The following is an entry in ClinVar:

NM_004260.4(RECQL4):c.1966C>T (p.Leu656=)

Gene: RECQL4 (RecQ like helicase 4; minus strand). Cytogenetic location: 8q24.3.
Variant type: single nucleotide variant.
Coding change: c.1966C>T on transcript NM_004260.4 (MANE Select); coding-DNA position 1966, C replaced by T.
Protein change: p.Leu656=; no amino-acid change (leucine 656 retained).
Molecular consequence: synonymous variant.
Genome position (GRCh38, 1-based): chr8:144,514,020, G>A on the plus strand (C>T on the coding strand, the complement: RECQL4 is on the minus strand). VCF-style: chr8-144514020-G-A. GRCh37 (hg19) VCF-style: chr8-145739404-G-A.
Identifiers: ClinVar variation 459361 (VCV000459361.21), dbSNP rs55667349, ClinGen allele CA4948559.
Genomic context (GRCh38, chr8:144,514,020, plus strand): 5'-GGTGCAGGTTGGTGGGAACTGGGGCTGGCCCGTGGAGGTCAGGCTCTTCAGCCACAGCCA[G>A]GTGCTGTGCCACGTCACTGGCAGTGCGGCGTGTGGCTGTGGCTGTGAGGCCCAGGAAGCA-3'
Protein context (NP_004251.4, residues 646-666): RRTASDVAQH[Leu656=]AVAEEPDLHG

ClinVar aggregate classification (germline): Likely benign. Review status: criteria provided, multiple submitters, no conflicts (2 of 4 stars). 4 submissions from 4 submitters: Likely benign (4). Last evaluated 2026-01-21.

Conditions:
Inborn genetic diseases. Identifiers: MedGen C0950123, MeSH D030342.
Baller-Gerold syndrome (BGS). Also called: CRANIOSYNOSTOSIS WITH RADIAL DEFECTS. Identifiers: Orphanet 1225, MedGen C0265308, MONDO:0009039, OMIM 218600.

Allele frequency attached by ClinVar (database versions not stated): TOPMed 0.00002; gnomAD 0.00003 and 0.00006; gnomAD exomes 0.00006; 1000 Genomes Project 30x 0.00016; ExAC 0.00016; 1000 Genomes Project 0.00020.
gnomAD v4.1: 56 of 1,572,622 alleles (0.0036%); highest among the groups gnomAD compares: East Asian, 0.026%; no homozygotes.

Submissions (4):

Labcorp Genetics (formerly Invitae), Labcorp
Classification: Likely benign for Baller-Gerold syndrome. Last evaluated: 2026-01-21. Review status: criteria provided, single submitter. Criteria: Invitae Variant Classification Sherloc (09022015). Collection method: clinical testing. Allele origin: germline.

CeGaT Center for Human Genetics Tuebingen
Classification: Likely benign. Last evaluated: 2025-07-01. Review status: criteria provided, single submitter. Criteria: CeGaT Center For Human Genetics Tuebingen Variant Classification Criteria Version 2. Collection method: clinical testing. Allele origin: germline. Affected: yes. Observed: 1 variant allele.
Comment: RECQL4: BP4, BP7

Ambry Genetics
Classification: Likely benign for Inborn genetic diseases. Last evaluated: 2024-11-17. Review status: criteria provided, single submitter. Criteria: Ambry Variant Classification Scheme 2023. Collection method: clinical testing. Allele origin: germline.

Blueprint Genetics
Classification: Likely benign. Last evaluated: 2022-06-15. Review status: criteria provided, single submitter. Criteria: ACMG Guidelines, 2015. Collection method: clinical testing. Allele origin: germline.